The following is an entry in ClinVar:

NM_000257.4(MYH7):c.1346C>T (p.Thr449Ile)

Gene: MYH7 (myosin heavy chain 7; minus strand). Cytogenetic location: 14q11.2.
Variant type: single nucleotide variant.
Coding change: c.1346C>T on transcript NM_000257.4 (MANE Select); coding-DNA position 1346, C replaced by T.
Protein change: p.Thr449Ile; replaces threonine 449 with isoleucine.
Molecular consequence: missense variant.
Genome position (GRCh38, 1-based): chr14:23,429,016, G>A on the plus strand (C>T on the coding strand, the complement: MYH7 is on the minus strand). VCF-style: chr14-23429016-G-A. GRCh37 (hg19) VCF-style: chr14-23898225-G-A.
Other names: short protein forms T449I.
Identifiers: ClinVar variation 1018284 (VCV001018284.8), dbSNP rs1892812435, ClinGen allele CA389050819.

ClinVar aggregate classification (germline): Uncertain significance (1 of 4 stars; one submission).

Conditions:
Hypertrophic cardiomyopathy. Also called: HYPERTROPHIC MYOCARDIOPATHY. Identifiers: Orphanet 217569, MedGen C0007194, MeSH D002312, MONDO:0005045, HP:0001639.

Submission:

Labcorp Genetics (formerly Invitae), Labcorp
Classification: Uncertain significance for Hypertrophic cardiomyopathy. Last evaluated: 2024-06-04. Review status: criteria provided, single submitter. Criteria: Invitae Variant Classification Sherloc (09022015). Collection method: clinical testing. Allele origin: germline.
Comment: This sequence change replaces threonine, which is neutral and polar, with isoleucine, which is neutral and non-polar, at codon 449 of the MYH7 protein (p.Thr449Ile). This variant is not present in population databases (gnomAD no frequency). This missense change has been observed in individual(s) with hypertrophic cardiomyopathy (PMID: 27532257). ClinVar contains an entry for this variant (Variation ID: 1018284). Advanced modeling of protein sequence and biophysical properties (such as structural, functional, and spatial information, amino acid conservation, physicochemical variation, residue mobility, and thermodynamic stability) performed at Invitae indicates that this missense variant is expected to disrupt MYH7 protein function with a positive predictive value of 95%. In summary, the available evidence is currently insufficient to determine the role of this variant in disease. Therefore, it has been classified as a Variant of Uncertain Significance.

Literature cited by the submitters: PubMed 27532257.